The following is an entry in ClinVar:

ClinVar aggregate classification (germline): Benign/Likely benign. Review status: criteria provided, multiple submitters, no conflicts (2 of 4 stars). 9 submissions from 9 submitters: Benign (3); Likely benign (3). 3 of the submissions do not count toward it. Last evaluated 2026-05-09.

Conditions:
GROWTH HORMONE DEFICIENCY WITH PITUITARY ANOMALIES. Identifiers: MedGen C2750027, OMIM 182230.
Septo-optic dysplasia sequence (SOD). Also called: DE MORSIER SYNDROME; Septo-optic dysplasia. Identifiers: Orphanet 3157, MedGen C0338503, MONDO:0008428, OMIM 182230, HP:0100842.

Allele frequency attached by ClinVar (database versions not stated): gnomAD exomes 0.00658 and 0.01787; ExAC 0.02162; gnomAD 0.07043 and 0.07568; 1000 Genomes Project 0.07588; ESP Exome Variant Server 0.07608; TOPMed 0.07865; 1000 Genomes Project 30x 0.08307.

Submissions (9):

Women's Health and Genetics/Laboratory Corporation of America, LabCorp
Classification: Likely benign. Last evaluated: 2026-05-09. Review status: criteria provided, single submitter. Criteria: LabCorp Variant Classification Summary - May 2015. Collection method: clinical testing. Allele origin: germline.

Labcorp Genetics (formerly Invitae), Labcorp
Classification: Benign for GROWTH HORMONE DEFICIENCY WITH PITUITARY ANOMALIES; Septo-optic dysplasia sequence. Last evaluated: 2026-02-02. Review status: criteria provided, single submitter. Criteria: Invitae Variant Classification Sherloc (09022015). Collection method: clinical testing. Allele origin: germline.

Blueprint Genetics
Classification: Likely benign. Last evaluated: 2024-11-26. Review status: criteria provided, single submitter. Criteria: ACMG Guidelines, 2015. Collection method: clinical testing. Allele origin: germline.

Eurofins Ntd Llc (ga)
Classification: Benign. Last evaluated: 2015-09-02. Review status: criteria provided, single submitter. Criteria: EGL Classification Definitions 2015. Collection method: clinical testing. Allele origin: germline. Observed: 1 variant allele, 1 homozygote.

GeneDx
Classification: Benign. Last evaluated: 2015-03-03. Review status: criteria provided, single submitter. Criteria: GeneDx Variant Classification Process June 2021. Collection method: clinical testing. Allele origin: germline. Affected: yes.
Comment: This variant is associated with the following publications: (PMID: 11748154, 19844116, 20981092, 21228398, 10599689, 27884173, 27013732, 25910213)

Breakthrough Genomics
Classification: Likely benign. Review status: criteria provided, single submitter. Criteria: ACMG Guidelines, 2015. Collection method: not provided. Allele origin: germline. Inheritance: Autosomal dominant inheritance. Affected: yes.

Clinical Genetics, Academic Medical Center
Classification: Benign. Review status: no assertion criteria provided. Collection method: clinical testing. Allele origin: germline. Affected: yes. Study: VKGL Data-share Consensus. Not counted in ClinVar's aggregate classification.

Genome Diagnostics Laboratory, University Medical Center Utrecht
Classification: Likely benign. Review status: no assertion criteria provided. Collection method: clinical testing. Allele origin: germline. Affected: yes. Study: VKGL Data-share Consensus. Not counted in ClinVar's aggregate classification.

Laboratory of Diagnostic Genome Analysis, Leiden University Medical Center (LUMC)
Classification: Likely benign. Review status: no assertion criteria provided. Collection method: clinical testing. Allele origin: germline. Affected: yes. Study: VKGL Data-share Consensus. Not counted in ClinVar's aggregate classification.

Literature cited by the submitters: PubMed 21325470 (cited by Eurofins Ntd Llc (ga)).

NM_003865.3(HESX1):c.374A>G (p.Asn125Ser)

Gene: HESX1 (HESX homeobox 1; minus strand). Cytogenetic location: 3p14.3.
Variant type: single nucleotide variant.
Coding change: c.374A>G on transcript NM_003865.3 (MANE Select); coding-DNA position 374, A replaced by G.
Protein change: p.Asn125Ser; replaces asparagine 125 with serine.
Molecular consequence: missense variant.
Genome position (GRCh38, 1-based): chr3:57,198,476, T>C on the plus strand (A>G on the coding strand, the complement: HESX1 is on the minus strand). VCF-style: chr3-57198476-T-C. GRCh37 (hg19) VCF-style: chr3-57232504-T-C.
Other names: short protein forms N125S.
Identifiers: ClinVar variation 282975 (VCV000282975.23), dbSNP rs9878928, ClinGen allele CA2463251.